The following is an entry in ClinVar:

NM_015374.3(SUN2):c.1409G>C (p.Gly470Ala)

Genes: GTPBP1 (GTP binding protein 1; plus strand), SUN2 (Sad1 and UNC84 domain containing 2; minus strand). Cytogenetic location: 22q13.1.
Variant type: single nucleotide variant.
Coding change: c.1409G>C on transcript NM_015374.3 (MANE Select); coding-DNA position 1409, G replaced by C.
Protein change: p.Gly470Ala; replaces glycine 470 with alanine.
Molecular consequence: missense variant.
Genome position (GRCh38, 1-based): chr22:38,739,891, C>G on the plus strand (G>C on the coding strand, the complement: SUN2 is on the minus strand). VCF-style: chr22-38739891-C-G. GRCh37 (hg19) VCF-style: chr22-39135896-C-G.
Other names: c.1472G>C, p.Gly491Ala (NM_001199579.2, NM_001394428.1); c.1409G>C, p.Gly470Ala (NM_001199580.2, NM_001394431.1, NM_001394432.1 and 5 more transcripts); c.1502G>C, p.Gly501Ala (NM_001394427.1); c.1454G>C, p.Gly485Ala (NM_001394429.1, NM_001394430.1); c.1319G>C, p.Gly440Ala (NM_001394438.1); c.1271G>C, p.Gly424Ala (NM_001394439.1, NM_001394440.1, NM_001394441.1); c.1010G>C, p.Gly337Ala (NM_001394442.1); c.917G>C, p.Gly306Ala (NM_001394443.1); and 1 more; short protein forms G306A, G337A, G440A, G470A, G424A, G485A, G501A, G278A.
Identifiers: ClinVar variation 2761486 (VCV002761486.3), dbSNP rs200570507, ClinGen allele CA10235555.

ClinVar aggregate classification (germline): Uncertain significance (1 of 4 stars; one submission).

Conditions:
Emery-Dreifuss muscular dystrophy (EDMD). Also called: Scapuloperoneal syndrome, X-linked (formerly); Humeroperoneal neuromuscular disease, (formerly). Identifiers: Orphanet 261, MedGen C0410189, MONDO:0016830.

Allele frequency attached by ClinVar (database versions not stated): ExAC 0.00001; gnomAD 0.00001; TOPMed 0.00002; gnomAD exomes 0.00004.
gnomAD v4.1: 61 of 1,613,058 alleles (0.0038%); highest among the groups gnomAD compares: Non-Finnish European, 0.0051%; no homozygotes.

Submission:

Labcorp Genetics (formerly Invitae), Labcorp
Classification: Uncertain significance for Emery-Dreifuss muscular dystrophy. Last evaluated: 2024-03-01. Review status: criteria provided, single submitter. Criteria: Invitae Variant Classification Sherloc (09022015). Collection method: clinical testing. Allele origin: germline.
Comment: This sequence change replaces glycine, which is neutral and non-polar, with alanine, which is neutral and non-polar, at codon 470 of the SUN2 protein (p.Gly470Ala). This variant is present in population databases (rs200570507, gnomAD 0.002%). This variant has not been reported in the literature in individuals affected with SUN2-related conditions. Algorithms developed to predict the effect of missense changes on protein structure and function output the following: SIFT: "Not Available"; PolyPhen-2: "Benign"; Align-GVGD: "Not Available". The alanine amino acid residue is found in multiple mammalian species, which suggests that this missense change does not adversely affect protein function. In summary, the available evidence is currently insufficient to determine the role of this variant in disease. Therefore, it has been classified as a Variant of Uncertain Significance.